The following is an entry in ClinVar:

NC_000005.9:g.(?_156016221)_(156022081_?)dup

Gene: SGCD (sarcoglycan delta; plus strand). Cytogenetic location: 5q33.3.
Variant type: Duplication.
Identifiers: ClinVar variation 3246323 (VCV003246323.1).

ClinVar aggregate classification (germline): Likely pathogenic (1 of 4 stars; one submission).

Conditions:
Autosomal recessive limb-girdle muscular dystrophy type 2F (LGMDR6). Also called: MUSCULAR DYSTROPHY, LIMB-GIRDLE, AUTOSOMAL RECESSIVE 6; Muscular dystrophy limb-girdle with delta-sarcoglyan deficiency. Identifiers: Orphanet 219, MedGen C1832525, MONDO:0011028, OMIM 601287. Disease mechanism: Affects gamma-sarcoglycan and also disrupts the integrity of the entire sarcoglycan complex..

Submission:

Labcorp Genetics (formerly Invitae), Labcorp
Classification: Likely pathogenic for Autosomal recessive limb-girdle muscular dystrophy type 2F. Last evaluated: 2023-12-30. Review status: criteria provided, single submitter. Criteria: Invitae Variant Classification Sherloc (09022015). Collection method: clinical testing. Allele origin: unknown.
Comment: This variant results in a copy number gain of the genomic region encompassing exon(s) 5-6 of the SGCD gene. While the exact position of this variant cannot be determined from the data, sub-genic copy number gains are generally in tandem (PMID: 25640679). This variant is predicted to be out-of-frame, and may result in an absent or disrupted protein product. Loss-of-function variants in SGCD are known to be pathogenic (PMID: 8841194, 10735275, 10838250). This variant has not been reported in the literature in individuals affected with SGCD-related conditions. In summary, the currently available evidence indicates that the variant is pathogenic, but additional data are needed to prove that conclusively. Therefore, this variant has been classified as Likely Pathogenic.

Literature cited by the submitters: PubMed 25640679; PubMed 8841194; PubMed 10735275; PubMed 10838250.